The following is an entry in ClinVar:

ClinVar aggregate classification (germline): Uncertain significance (1 of 4 stars; one submission).

Submission:

GeneDx
Classification: Uncertain significance. Last evaluated: 2023-08-03. Review status: criteria provided, single submitter. Criteria: GeneDx Variant Classification Process June 2021. Collection method: clinical testing. Allele origin: germline. Affected: yes.
Comment: Not observed at significant frequency in large population cohorts (gnomAD); In silico analysis supports that this missense variant does not alter protein structure/function; Has not been previously published as pathogenic or benign to our knowledge

NM_001967.4(EIF4A2):c.384G>T (p.Met128Ile)

Gene: EIF4A2 (eukaryotic translation initiation factor 4A2; plus strand). Cytogenetic location: 3q27.3.
Variant type: single nucleotide variant.
Coding change: c.384G>T on transcript NM_001967.4 (MANE Select); coding-DNA position 384, G replaced by T.
Protein change: p.Met128Ile; replaces methionine 128 with isoleucine.
Molecular consequence: missense variant.
Genome position (GRCh38, 1-based): chr3:186,785,918, G>T. VCF-style: chr3-186785918-G-T. GRCh37 (hg19) VCF-style: chr3-186503707-G-T.
Other names: short protein forms M128I.
Identifiers: ClinVar variation 3361866 (VCV003361866.1).